The following is an entry in ClinVar:

ClinVar aggregate classification (germline): Likely benign. Review status: criteria provided, multiple submitters, no conflicts (2 of 4 stars). 3 submissions from 3 submitters: Likely benign (3). Last evaluated 2025-10-14.

Conditions:
CHD7-related disorder. Also called: CHD7-related condition.
CHARGE syndrome (CHARGE). Also called: Hittner Hirsch Kreh syndrome; CHARGE ASSOCIATION--COLOBOMA, HEART ANOMALY, CHOANAL ATRESIA, RETARDATION, GENITAL AND EAR ANOMALIES; Coloboma, heart anomaly, choanal atresia, retardation, genital and ear anomalies; CHARGE association; Hall-Hittner syndrome. Identifiers: Orphanet 138, MedGen C0265354, MONDO:0008965.

Allele frequency attached by ClinVar (database versions not stated): gnomAD 0.00001; TOPMed 0.00001; ExAC 0.00002; 1000 Genomes Project 0.00020; 1000 Genomes Project 30x 0.00031.
gnomAD v4.1: 29 of 1,613,958 alleles (0.0018%); highest among the groups gnomAD compares: Non-Finnish European, 0.0024%; no homozygotes.

Submissions (3):

Labcorp Genetics (formerly Invitae), Labcorp
Classification: Likely benign for CHARGE syndrome. Last evaluated: 2025-10-14. Review status: criteria provided, single submitter. Criteria: Invitae Variant Classification Sherloc (09022015). Collection method: clinical testing. Allele origin: germline.

PreventionGenetics, part of Exact Sciences
Classification: Likely benign for CHD7-related condition. Last evaluated: 2025-09-09. Review status: criteria provided, single submitter. Criteria: ACMG Guidelines, 2015. Collection method: clinical testing. Allele origin: germline.
Comment: This variant is classified as likely benign based on ACMG/AMP sequence variant interpretation guidelines (Richards et al. 2015 PMID: 25741868, with internal and published modifications).

Blueprint Genetics
Classification: Likely benign. Last evaluated: 2024-07-31. Review status: criteria provided, single submitter. Criteria: ACMG Guidelines, 2015. Collection method: clinical testing. Allele origin: germline.

NM_017780.4(CHD7):c.4800C>T (p.Gly1600=)

Gene: CHD7 (chromodomain helicase DNA binding protein 7; plus strand). Cytogenetic location: 8q12.2.
Variant type: single nucleotide variant.
Coding change: c.4800C>T on transcript NM_017780.4 (MANE Select); coding-DNA position 4800, C replaced by T.
Protein change: p.Gly1600=; no amino-acid change (glycine 1600 retained).
Molecular consequence: synonymous variant. On other transcripts: intron variant (1).
Genome position (GRCh38, 1-based): chr8:60,842,002, C>T. VCF-style: chr8-60842002-C-T. GRCh37 (hg19) VCF-style: chr8-61754561-C-T.
Other names: c.1717-20227C>T (NM_001316690.1); c.4800C>T (NM_017780.3).
Identifiers: ClinVar variation 2152924 (VCV002152924.6), dbSNP rs201671109, ClinGen allele CA4760195.